The following is an entry in ClinVar:

NM_004370.6(COL12A1):c.1763C>A (p.Ala588Asp)

Gene: COL12A1 (collagen type XII alpha 1 chain; minus strand). Cytogenetic location: 6q13.
Variant type: single nucleotide variant.
Coding change: c.1763C>A on transcript NM_004370.6 (MANE Select); coding-DNA position 1763, C replaced by A.
Protein change: p.Ala588Asp; replaces alanine 588 with aspartic acid.
Molecular consequence: missense variant. On other transcripts: intron variant (1).
Genome position (GRCh38, 1-based): chr6:75,183,178, G>T on the plus strand (C>A on the coding strand, the complement: COL12A1 is on the minus strand). VCF-style: chr6-75183178-G-T. GRCh37 (hg19) VCF-style: chr6-75892894-G-T.
Other names: c.73+19542C>A (NM_080645.3); short protein forms A588D.
Identifiers: ClinVar variation 2044232 (VCV002044232.4), dbSNP rs2533565176, ClinGen allele CA364768667.
Genomic context (GRCh38, chr6:75,183,178, plus strand): 5'-ATCCTCTGAAAAGCATCAAAATCTTCCACTGTGAACACATGGGTCTCTGCAGGAGGAGAG[G>T]CAATAGCTTCCAATTCTGAGCGAACGGCATCCTTCACACCAACTGCAAAGATTTCAACAT-3'
Protein context (NP_004361.3, residues 578-598): DAVRSELEAI[Ala588Asp]SPPAETHVFT

ClinVar aggregate classification (germline): Uncertain significance (1 of 4 stars; one submission).

Conditions:
Ullrich congenital muscular dystrophy 2 (UCMD2). Identifiers: Orphanet 75840, MedGen C4225314, MONDO:0014654, OMIM 616470.
Bethlem myopathy 2 (BTHLM2). Identifiers: Orphanet 536516, Orphanet 610, MedGen C4225313, MONDO:0034022, OMIM 616471.

Submission:

Labcorp Genetics (formerly Invitae), Labcorp
Classification: Uncertain significance for Bethlem myopathy 2; Ullrich congenital muscular dystrophy 2. Last evaluated: 2022-08-23. Review status: criteria provided, single submitter. Criteria: Invitae Variant Classification Sherloc (09022015). Collection method: clinical testing. Allele origin: germline.
Comment: In summary, the available evidence is currently insufficient to determine the role of this variant in disease. Therefore, it has been classified as a Variant of Uncertain Significance. Algorithms developed to predict the effect of missense changes on protein structure and function are either unavailable or do not agree on the potential impact of this missense change (SIFT: "Deleterious"; PolyPhen-2: "Probably Damaging"; Align-GVGD: "Class C0"). This variant has not been reported in the literature in individuals affected with COL12A1-related conditions. This variant is not present in population databases (gnomAD no frequency). This sequence change replaces alanine, which is neutral and non-polar, with aspartic acid, which is acidic and polar, at codon 588 of the COL12A1 protein (p.Ala588Asp).